The following is an entry in ClinVar:

NM_032634.4(PIGO):c.398A>G (p.Gln133Arg)

Gene: PIGO (phosphatidylinositol glycan anchor biosynthesis class O; minus strand). Cytogenetic location: 9p13.3.
Variant type: single nucleotide variant.
Coding change: c.398A>G on transcript NM_032634.4 (MANE Select); coding-DNA position 398, A replaced by G.
Protein change: p.Gln133Arg; replaces glutamine 133 with arginine.
Molecular consequence: missense variant.
Genome position (GRCh38, 1-based): chr9:35,095,168, T>C on the plus strand (A>G on the coding strand, the complement: PIGO is on the minus strand). VCF-style: chr9-35095168-T-C. GRCh37 (hg19) VCF-style: chr9-35095165-T-C.
Other names: c.398A>G, p.Gln133Arg (NM_001201484.2, NM_152850.4); short protein forms Q133R.
Identifiers: ClinVar variation 843532 (VCV000843532.7), dbSNP rs1384669720, ClinGen allele CA373324372.

ClinVar aggregate classification (germline): Uncertain significance (1 of 4 stars; one submission).

Conditions:
Hyperphosphatasia with impaired intellectual development syndrome 2. Also called: Hyperphosphatasia with intellectual disability syndrome 2; GLYCOSYLPHOSPHATIDYLINOSITOL BIOSYNTHESIS DEFECT 6. Identifiers: Orphanet 247262, MedGen C3553637, MONDO:0013882, OMIM 614749.

Allele frequency attached by ClinVar (database versions not stated): gnomAD exomes below 0.00001; gnomAD 0.00001; TOPMed 0.00001.

Submission:

Labcorp Genetics (formerly Invitae), Labcorp
Classification: Uncertain significance for Hyperphosphatasia with impaired intellectual development syndrome 2. Last evaluated: 2022-07-05. Review status: criteria provided, single submitter. Criteria: Invitae Variant Classification Sherloc (09022015). Collection method: clinical testing. Allele origin: germline.
Comment: Algorithms developed to predict the effect of missense changes on protein structure and function (SIFT, PolyPhen-2, Align-GVGD) all suggest that this variant is likely to be disruptive. In summary, the available evidence is currently insufficient to determine the role of this variant in disease. Therefore, it has been classified as a Variant of Uncertain Significance. ClinVar contains an entry for this variant (Variation ID: 843532). This variant has not been reported in the literature in individuals affected with PIGO-related conditions. This variant is present in population databases (no rsID available, gnomAD 0.002%). This sequence change replaces glutamine, which is neutral and polar, with arginine, which is basic and polar, at codon 133 of the PIGO protein (p.Gln133Arg).